The following is an entry in ClinVar:

ClinVar aggregate classification (germline): Uncertain significance. Review status: criteria provided, multiple submitters, no conflicts (2 of 4 stars). 2 submissions from 2 submitters: Uncertain significance (2). Last evaluated 2026-03-27.

Conditions:
Glycine encephalopathy. Also called: Nonketotic hyperglycinemia; Non-ketotic hyperglycinemia. Identifiers: Orphanet 407, MedGen C0751748, MONDO:0011612, HP:0008288.

Allele frequency attached by ClinVar (database versions not stated): ExAC 0.00001; gnomAD 0.00001; TOPMed 0.00001; gnomAD exomes 0.00003.

Submissions (2):

Dasa
Classification: Uncertain significance. Last evaluated: 2026-03-27. Review status: criteria provided, single submitter. Criteria: DASA Assertion Criteria. Collection method: clinical testing. Allele origin: germline.
Comment: NM_000170.3(GLDC):c.286C>T (p.Pro96Ser) is a missense variant that results in the substitution of proline with serine. This variant is rare in population databases. Computational prediction algorithms are consistent with a deleterious effect. The currently available literature and clinical evidence are not sufficient to establish a definitive association between this variant and the reported condition. Therefore, this variant is classified as a variant of uncertain significance.

Labcorp Genetics (formerly Invitae), Labcorp
Classification: Uncertain significance for Glycine encephalopathy. Last evaluated: 2022-07-26. Review status: criteria provided, single submitter. Criteria: Invitae Variant Classification Sherloc (09022015). Collection method: clinical testing. Allele origin: germline.
Comment: This sequence change replaces proline, which is neutral and non-polar, with serine, which is neutral and polar, at codon 96 of the GLDC protein (p.Pro96Ser). This variant is present in population databases (rs780515572, gnomAD 0.004%). This variant has not been reported in the literature in individuals affected with GLDC-related conditions. Advanced modeling of protein sequence and biophysical properties (such as structural, functional, and spatial information, amino acid conservation, physicochemical variation, residue mobility, and thermodynamic stability) performed at Invitae indicates that this missense variant is expected to disrupt GLDC protein function. In summary, the available evidence is currently insufficient to determine the role of this variant in disease. Therefore, it has been classified as a Variant of Uncertain Significance.

NM_000170.3(GLDC):c.286C>T (p.Pro96Ser)

Gene: GLDC (glycine decarboxylase; minus strand). Cytogenetic location: 9p24.1.
Variant type: single nucleotide variant.
Coding change: c.286C>T on transcript NM_000170.3 (MANE Select); coding-DNA position 286, C replaced by T.
Protein change: p.Pro96Ser; replaces proline 96 with serine.
Molecular consequence: missense variant.
Genome position (GRCh38, 1-based): chr9:6,644,662, G>A on the plus strand (C>T on the coding strand, the complement: GLDC is on the minus strand). VCF-style: chr9-6644662-G-A. GRCh37 (hg19) VCF-style: chr9-6644662-G-A.
Other names: short protein forms P96S.
Identifiers: ClinVar variation 2174105 (VCV002174105.3), dbSNP rs780515572, ClinGen allele CA4981217.